The following is an entry in ClinVar:

ClinVar aggregate classification (germline): Uncertain significance (1 of 4 stars; one submission).

Allele frequency attached by ClinVar (database versions not stated): gnomAD exomes below 0.00001.

Submission:

Labcorp Genetics (formerly Invitae), Labcorp
Classification: Uncertain significance. Last evaluated: 2024-04-17. Review status: criteria provided, single submitter. Criteria: Invitae Variant Classification Sherloc (09022015). Collection method: clinical testing. Allele origin: germline.
Comment: This sequence change replaces threonine, which is neutral and polar, with alanine, which is neutral and non-polar, at codon 242 of the NAXE protein (p.Thr242Ala). This variant is not present in population databases (gnomAD no frequency). This variant has not been reported in the literature in individuals affected with NAXE-related conditions. ClinVar contains an entry for this variant (Variation ID: 1719715). Advanced modeling of protein sequence and biophysical properties (such as structural, functional, and spatial information, amino acid conservation, physicochemical variation, residue mobility, and thermodynamic stability) performed at Invitae indicates that this missense variant is not expected to disrupt NAXE protein function with a negative predictive value of 80%. In summary, the available evidence is currently insufficient to determine the role of this variant in disease. Therefore, it has been classified as a Variant of Uncertain Significance.

NM_144772.3(NAXE):c.724A>G (p.Thr242Ala)

Gene: NAXE (NAD(P)HX epimerase; plus strand). Cytogenetic location: 1q22.
Variant type: single nucleotide variant.
Coding change: c.724A>G on transcript NM_144772.3 (MANE Select); coding-DNA position 724, A replaced by G.
Protein change: p.Thr242Ala; replaces threonine 242 with alanine.
Molecular consequence: missense variant.
Genome position (GRCh38, 1-based): chr1:156,593,941, A>G. VCF-style: chr1-156593941-A-G. GRCh37 (hg19) VCF-style: chr1-156563733-A-G.
Other names: short protein forms T242A.
Identifiers: ClinVar variation 1719715 (VCV001719715.5), dbSNP rs2526052996, ClinGen allele CA342876781.